The following is an entry in ClinVar:

ClinVar aggregate classification (germline): Uncertain significance (1 of 4 stars; one submission).

Submission:

Labcorp Genetics (formerly Invitae), Labcorp
Classification: Uncertain significance. Last evaluated: 2022-08-16. Review status: criteria provided, single submitter. Criteria: Invitae Variant Classification Sherloc (09022015). Collection method: clinical testing. Allele origin: germline.
Comment: In summary, the available evidence is currently insufficient to determine the role of this variant in disease. Therefore, it has been classified as a Variant of Uncertain Significance. Algorithms developed to predict the effect of missense changes on protein structure and function (SIFT, PolyPhen-2, Align-GVGD) all suggest that this variant is likely to be tolerated. This variant has not been reported in the literature in individuals affected with SULF1-related conditions. This variant is not present in population databases (gnomAD no frequency). This sequence change replaces aspartic acid, which is acidic and polar, with histidine, which is basic and polar, at codon 849 of the SULF1 protein (p.Asp849His).

NM_001128205.2(SULF1):c.2545G>C (p.Asp849His)

Gene: SULF1 (sulfatase 1; plus strand). Cytogenetic location: 8q13.3.
Variant type: single nucleotide variant.
Coding change: c.2545G>C on transcript NM_001128205.2 (MANE Select); coding-DNA position 2545, G replaced by C.
Protein change: p.Asp849His; replaces aspartic acid 849 with histidine.
Molecular consequence: missense variant. On other transcripts: non-coding transcript variant (3).
Genome position (GRCh38, 1-based): chr8:69,638,852, G>C. VCF-style: chr8-69638852-G-C. GRCh37 (hg19) VCF-style: chr8-70551087-G-C.
Other names: c.2545G>C, p.Asp849His (NM_001128204.2, NM_001128206.2, NM_001412828.1 and 7 more transcripts); c.2416G>C, p.Asp806His (NM_001412832.1, NM_001412838.1, NM_001412839.1 and 1 more transcripts); c.2488G>C, p.Asp830His (NM_001412836.1, NM_001412837.1); c.2359G>C, p.Asp787His (NM_001412841.1, NM_001412842.1); c.*29G>C (NM_001412843.1, NM_001412850.1, NM_001412851.1); c.1945G>C, p.Asp649His (NM_001412844.1, NM_001412845.1); c.754G>C, p.Asp252His (NM_001412846.1); short protein forms D252H, D649H, D787H, D806H, D830H, D849H.
Identifiers: ClinVar variation 1716514 (VCV001716514.5), dbSNP rs1173946549, ClinGen allele CA371228530.
Genomic context (GRCh38, chr8:69,638,852, plus strand): 5'-CTAATGGAGCTCAGAAGCTGTCAAGGATATAAGCAGTGCAACCCAAGACCTAAGAATCTT[G>C]ATGTTGGTAAGGAAAAAAATACTATTTTTTCTATTTTACCTGGAAAATTCTTTGTGTTAC-3'
Protein context (NP_001121677.1, residues 839-859): KQCNPRPKNL[Asp849His]VGNKDGGSYD